The following is an entry in ClinVar:

NM_002386.4(MC1R):c.319del (p.Val107fs)

Gene: MC1R (melanocortin 1 receptor; plus strand). Cytogenetic location: 16q24.3.
Variant type: Deletion.
Coding change: c.319del on transcript NM_002386.4 (MANE Select); coding-DNA position 319, one base deleted (G; older notation c.319delG).
Protein change: p.Val107fs; shifts the reading frame from valine 107.
Molecular consequence: frameshift variant.
Genome position (GRCh38, 1-based): chr16:89,919,577, G deleted; the last of 2 consecutive G bases (chr16:89,919,576-89,919,577); deleting either gives the same sequence. VCF-style (leftmost placement, unchanged base first): chr16-89919575-TG-T. GRCh37 (hg19) VCF-style: chr16-89985983-TG-T.
Other names: short protein forms V107fs.
Identifiers: ClinVar variation 1368136 (VCV001368136.6), dbSNP rs2144391577, ClinGen allele CA2573152825.

ClinVar aggregate classification (germline): Uncertain significance (1 of 4 stars; one submission).

Conditions:
Melanoma, cutaneous malignant, susceptibility to, 5. Also called: Cutaneous malignant melanoma 5. Identifiers: Orphanet 618, MedGen C2751295, MONDO:0013133, OMIM 613099.

Submission:

Labcorp Genetics (formerly Invitae), Labcorp
Classification: Uncertain significance for Melanoma, cutaneous malignant, susceptibility to, 5. Last evaluated: 2024-09-01. Review status: criteria provided, single submitter. Criteria: Invitae Variant Classification Sherloc (09022015). Collection method: clinical testing. Allele origin: germline.
Comment: This sequence change creates a premature translational stop signal (p.Val107Trpfs*16) in the MC1R gene. While this is not anticipated to result in nonsense mediated decay, it is expected to disrupt the last 211 amino acid(s) of the MC1R protein. This variant is not present in population databases (gnomAD no frequency). This variant has not been reported in the literature in individuals affected with MC1R-related conditions. ClinVar contains an entry for this variant (Variation ID: 1368136). In summary, the available evidence is currently insufficient to determine the role of this variant in disease. Therefore, it has been classified as a Variant of Uncertain Significance.